The following is an entry in ClinVar:

NM_001134831.2(AHI1):c.3503A>G (p.Glu1168Gly)

Gene: AHI1 (Abelson helper integration site 1; minus strand). Cytogenetic location: 6q23.3.
Variant type: single nucleotide variant.
Coding change: c.3503A>G on transcript NM_001134831.2 (MANE Select); coding-DNA position 3503, A replaced by G.
Protein change: p.Glu1168Gly; replaces glutamic acid 1168 with glycine.
Molecular consequence: missense variant. On other transcripts: intron variant (1).
Genome position (GRCh38, 1-based): chr6:135,290,508, T>C on the plus strand (A>G on the coding strand, the complement: AHI1 is on the minus strand). VCF-style: chr6-135290508-T-C. GRCh37 (hg19) VCF-style: chr6-135611646-T-C.
Other names: c.3503A>G, p.Glu1168Gly (NM_001134830.2, NM_001350503.2, NM_017651.5); c.3486-4861A>G (NM_001350504.2); short protein forms E1168G.
Identifiers: ClinVar variation 388935 (VCV000388935.47), dbSNP rs199578341, ClinGen allele CA4011964.

ClinVar aggregate classification (germline): Conflicting classifications of pathogenicity. Review status: criteria provided, conflicting classifications (1 of 4 stars). 11 submissions from 11 submitters: Uncertain significance (5); Likely benign (3). 3 of the submissions do not count toward it. Last evaluated 2026-09-01.

Conditions:
Joubert syndrome 3 (JBTS3). Also called: AHI1-related Ciliopathy. Identifiers: Orphanet 220493, MedGen C1837713, MONDO:0012078, OMIM 608629.
AHI1-related disorder. Also called: AHI1-related condition.
Retinal dystrophy. Also called: Inherited retinal dystrophy. Identifiers: Orphanet 71862, MedGen C0854723, MeSH D058499, MONDO:0019118, HP:0000556.
Intellectual disability. Also called: intellectual disabilities; Intellectual functioning disability; Intellectual developmental disorder. Identifiers: MedGen C3714756, MeSH D008607, MONDO:0001071, HP:0001249.
Joubert syndrome. Also called: Familial aplasia of the vermis; JOUBERT-BOLTSHAUSER SYNDROME. Identifiers: Orphanet 475, MedGen C5979921, MONDO:0018772.

Allele frequency attached by ClinVar (database versions not stated): gnomAD 0.00102 and 0.00103; TOPMed 0.00122; ESP Exome Variant Server 0.00225; 1000 Genomes Project 0.00060; 1000 Genomes Project 30x 0.00062; ExAC 0.00083; gnomAD exomes 0.00093.
gnomAD v4.1: 3,320 of 1,613,824 alleles (0.21%); highest among the groups gnomAD compares: Non-Finnish European, 0.27%; 4 homozygotes.

Submissions (11):

CeGaT Center for Human Genetics Tuebingen
Classification: Likely benign. Last evaluated: 2026-09-01. Review status: criteria provided, single submitter. Criteria: CeGaT Center For Human Genetics Tuebingen Variant Classification Criteria Version 2. Collection method: clinical testing. Allele origin: germline. Affected: yes. Observed: 4 variant alleles.
Comment: AHI1: BP4, BS1

Labcorp Genetics (formerly Invitae), Labcorp
Classification: Likely benign for Joubert syndrome. Last evaluated: 2026-02-04. Review status: criteria provided, single submitter. Criteria: Invitae Variant Classification Sherloc (09022015). Collection method: clinical testing. Allele origin: germline.

GeneDx
Classification: Uncertain significance. Last evaluated: 2025-02-14. Review status: criteria provided, single submitter. Criteria: GeneDx Variant Classification Process June 2021. Collection method: clinical testing. Allele origin: germline. Affected: yes.
Comment: In silico analysis indicates that this missense variant does not alter protein structure/function; This variant is associated with the following publications: (PMID: 31308072, 32483926)

Blueprint Genetics
Classification: Likely benign. Last evaluated: 2024-11-08. Review status: criteria provided, single submitter. Criteria: ACMG Guidelines, 2015. Collection method: clinical testing. Allele origin: germline.

Institute of Human Genetics, Univ. Regensburg, Univ. Regensburg
Classification: Uncertain significance for Retinal dystrophy. Last evaluated: 2023-01-01. Review status: criteria provided, single submitter. Criteria: ACMG Guidelines, 2015. Collection method: clinical testing. Allele origin: germline. Affected: yes.

Department of Pathology and Laboratory Medicine, Sinai Health System
Classification: Uncertain significance for Joubert syndrome 3. Last evaluated: 2022-07-15. Review status: criteria provided, single submitter. Criteria: ACMG Guidelines, 2015. Collection method: research. Allele origin: germline.

Fulgent Genetics
Classification: Uncertain significance for Joubert syndrome 3. Last evaluated: 2018-10-31. Review status: criteria provided, single submitter. Criteria: ACMG Guidelines, 2015. Collection method: clinical testing. Allele origin: unknown.

Illumina Laboratory Services, Illumina
Classification: Uncertain significance for Joubert syndrome 3. Last evaluated: 2018-01-13. Review status: criteria provided, single submitter. Criteria: ICSL Variant Classification Criteria 13 December 2019. Collection method: clinical testing. Allele origin: germline.

Genetic Services Laboratory, University of Chicago
Classification: Likely benign. Last evaluated: 2022-09-14. Review status: no assertion criteria provided. Collection method: clinical testing. Allele origin: germline. Affected: no. Not counted in ClinVar's aggregate classification.

PreventionGenetics, part of Exact Sciences
Classification: Likely benign for AHI1-related condition. Last evaluated: 2022-02-03. Review status: no assertion criteria provided. Collection method: clinical testing. Allele origin: germline. Not counted in ClinVar's aggregate classification.
Comment: This variant is classified as likely benign based on ACMG/AMP sequence variant interpretation guidelines (Richards et al. 2015 PMID: 25741868, with internal and published modifications).

Centre de Biologie Pathologie Génétique, Centre Hospitalier Universitaire de Lille
Classification: Uncertain significance for Intellectual disability. Last evaluated: 2019-01-01. Review status: no assertion criteria provided. Collection method: clinical testing. Allele origin: unknown. Affected: yes. Not counted in ClinVar's aggregate classification.

Literature cited by the submitters: PubMed 32483926 (cited by Institute of Human Genetics, Univ. Regensburg, Univ. Regensburg).